The following is an entry in ClinVar:

NM_003001.5(SDHC):c.175T>G (p.Tyr59Asp)

Gene: SDHC (succinate dehydrogenase complex subunit C; plus strand). Cytogenetic location: 1q23.3.
Variant type: single nucleotide variant.
Coding change: c.175T>G on transcript NM_003001.5 (MANE Select); coding-DNA position 175, T replaced by G.
Protein change: p.Tyr59Asp; replaces tyrosine 59 with aspartic acid.
Molecular consequence: missense variant. On other transcripts: non-coding transcript variant (1), intron variant (4).
Genome position (GRCh38, 1-based): chr1:161,328,493, T>G. VCF-style: chr1-161328493-T-G. GRCh37 (hg19) VCF-style: chr1-161298283-T-G.
Other names: c.175T>G, p.Tyr59Asp (NM_001035511.3, NM_001407115.1); c.118T>G, p.Tyr40Asp (NM_001407116.1, NM_001407117.1, NM_001407121.1); c.64T>G, p.Tyr22Asp (NM_001407119.1, NM_001407120.1); c.77+4823T>G (NM_001035512.3, NM_001278172.3, NM_001407118.1); c.21-12101T>G (NM_001035513.3); short protein forms Y22D, Y40D, Y59D.
Identifiers: ClinVar variation 1718074 (VCV001718074.7), dbSNP rs2526365633, ClinGen allele CA343361362.

ClinVar aggregate classification (germline): Uncertain significance. Review status: criteria provided, multiple submitters, no conflicts (2 of 4 stars). 2 submissions from 2 submitters: Uncertain significance (2). Last evaluated 2026-05-05.

Conditions:
Pheochromocytoma/paraganglioma syndrome 3. Also called: GLOMUS TUMORS, FAMILIAL, 3; SDHC-Related Hereditary Paraganglioma-Pheochromocytoma Syndrome; SDHC-Related Hereditary Paraganglioma-Pheochromocytoma Syndrome (Paragangliomas 3); Paragangliomas 3. Identifiers: Orphanet 29072, MedGen C1854336, MONDO:0011544, OMIM 605373.
Gastrointestinal stromal tumor. Also called: Gastrointestinal stroma tumor; Gastrointestinal stromal tumor, somatic. Identifiers: Orphanet 44890, MedGen C0238198, MeSH D046152, MONDO:0011719, OMIM 606764, HP:0100723.
Hereditary cancer-predisposing syndrome. Also called: Tumor predisposition; Neoplastic Syndromes, Hereditary; Hereditary Cancer Syndrome; Hereditary neoplastic syndrome. Identifiers: Orphanet 140162, MedGen C0027672, MeSH D009386, MONDO:0015356.

Submissions (2):

Ambry Genetics
Classification: Uncertain significance for Hereditary cancer-predisposing syndrome. Last evaluated: 2026-05-05. Review status: criteria provided, single submitter. Criteria: Ambry Variant Classification Scheme 2023. Collection method: clinical testing. Allele origin: germline.
Comment: The p.Y59D variant (also known as c.175T>G), located in coding exon 3 of the SDHC gene, results from a T to G substitution at nucleotide position 175. The tyrosine at codon 59 is replaced by aspartic acid, an amino acid with highly dissimilar properties. This amino acid position is highly conserved in available vertebrate species. In addition, this alteration is predicted to be deleterious by in silico analysis. Based on the available evidence, the clinical significance of this variant remains unclear.

Labcorp Genetics (formerly Invitae), Labcorp
Classification: Uncertain significance for Pheochromocytoma/paraganglioma syndrome 3; Gastrointestinal stromal tumor. Last evaluated: 2022-11-17. Review status: criteria provided, single submitter. Criteria: Invitae Variant Classification Sherloc (09022015). Collection method: clinical testing. Allele origin: germline.
Comment: In summary, the available evidence is currently insufficient to determine the role of this variant in disease. Therefore, it has been classified as a Variant of Uncertain Significance. Algorithms developed to predict the effect of missense changes on protein structure and function (SIFT, PolyPhen-2, Align-GVGD) all suggest that this variant is likely to be disruptive. This variant has not been reported in the literature in individuals affected with SDHC-related conditions. This variant is not present in population databases (gnomAD no frequency). This sequence change replaces tyrosine, which is neutral and polar, with aspartic acid, which is acidic and polar, at codon 59 of the SDHC protein (p.Tyr59Asp).